The following is an entry in ClinVar:

ClinVar aggregate classification (germline): Conflicting classifications of pathogenicity. Review status: criteria provided, conflicting classifications (1 of 4 stars). 3 submissions from 3 submitters: Uncertain significance (2); Likely benign (1). Last evaluated 2026-01-12.

Allele frequency attached by ClinVar (database versions not stated): ExAC 0.00001; gnomAD exomes 0.00002; gnomAD 0.00003; TOPMed 0.00003.
gnomAD v4.1: 36 of 1,610,974 alleles (0.0022%); highest among the groups gnomAD compares: Middle Eastern, 0.017%; no homozygotes.

Submissions (3):

Labcorp Genetics (formerly Invitae), Labcorp
Classification: Uncertain significance. Last evaluated: 2026-01-12. Review status: criteria provided, single submitter. Criteria: Invitae Variant Classification Sherloc (09022015). Collection method: clinical testing. Allele origin: germline.
Comment: This sequence change falls in intron 8 of the COL4A1 gene. It does not directly change the encoded amino acid sequence of the COL4A1 protein. It affects a nucleotide within the consensus splice site. This variant is present in population databases (rs755082939, gnomAD 0.002%). This variant has not been reported in the literature in individuals affected with COL4A1-related conditions. ClinVar contains an entry for this variant (Variation ID: 2054976). Variants that disrupt the consensus splice site are a relatively common cause of aberrant splicing (PMID: 17576681, 9536098). Algorithms developed to predict the effect of sequence changes on RNA splicing suggest that this variant is not likely to affect RNA splicing. In summary, the available evidence is currently insufficient to determine the role of this variant in disease. Therefore, it has been classified as a Variant of Uncertain Significance.

CeGaT Center for Human Genetics Tuebingen
Classification: Uncertain significance. Last evaluated: 2026-01-01. Review status: criteria provided, single submitter. Criteria: CeGaT Center For Human Genetics Tuebingen Variant Classification Criteria Version 2. Collection method: clinical testing. Allele origin: germline. Affected: yes. Observed: 1 variant allele.
Comment: COL4A1: PM2, BP4

Blueprint Genetics
Classification: Likely benign. Last evaluated: 2023-10-26. Review status: criteria provided, single submitter. Criteria: ACMG Guidelines, 2015. Collection method: clinical testing. Allele origin: germline.

Literature cited by the submitters: PubMed 17576681 (cited by Labcorp Genetics (formerly Invitae), Labcorp); PubMed 9536098 (cited by Labcorp Genetics (formerly Invitae), Labcorp).

NM_001845.6(COL4A1):c.468+4C>G

Gene: COL4A1 (collagen type IV alpha 1 chain; minus strand). Cytogenetic location: 13q34.
Variant type: single nucleotide variant.
Coding change: c.468+4C>G on transcript NM_001845.6 (MANE Select); 4 bases into the intron after coding-DNA position 468, C replaced by G.
Molecular consequence: intron variant.
Genome position (GRCh38, 1-based): chr13:110,211,643, G>C on the plus strand (C>G on the coding strand, the complement: COL4A1 is on the minus strand). VCF-style: chr13-110211643-G-C. GRCh37 (hg19) VCF-style: chr13-110863990-G-C.
Other names: c.468+4C>G (NM_001303110.2).
Identifiers: ClinVar variation 2054976 (VCV002054976.9), dbSNP rs755082939, ClinGen allele CA7048493.